The following is an entry in ClinVar:

ClinVar aggregate classification (germline): Conflicting classifications of pathogenicity. Review status: criteria provided, conflicting classifications (1 of 4 stars). 4 submissions from 4 submitters: Uncertain significance (3); Likely benign (1). Last evaluated 2026-02-02.

Conditions:
Hereditary nonpolyposis colorectal neoplasms. Identifiers: MedGen C0009405, MeSH D003123.
Hereditary cancer-predisposing syndrome. Also called: Hereditary Cancer Syndrome; Hereditary neoplastic syndrome; Neoplastic Syndromes, Hereditary; Tumor predisposition. Identifiers: Orphanet 140162, MedGen C0027672, MeSH D009386, MONDO:0015356.

Allele frequency attached by ClinVar (database versions not stated): gnomAD exomes below 0.00001 and 0.00001; ExAC 0.00001; gnomAD 0.00001; TOPMed 0.00003; ESP Exome Variant Server 0.00008.
gnomAD v4.1: 5 of 1,614,120 alleles (0.00031%); highest among the groups gnomAD compares: African/African-American, 0.0053%; no homozygotes.

Submissions (4):

Labcorp Genetics (formerly Invitae), Labcorp
Classification: Likely benign for Hereditary nonpolyposis colorectal neoplasms. Last evaluated: 2026-02-02. Review status: criteria provided, single submitter. Criteria: Invitae Variant Classification Sherloc (09022015). Collection method: clinical testing. Allele origin: germline.

Ambry Genetics
Classification: Uncertain significance for Hereditary cancer-predisposing syndrome. Last evaluated: 2023-10-25. Review status: criteria provided, single submitter. Criteria: Ambry Variant Classification Scheme 2023. Collection method: clinical testing. Allele origin: germline.
Comment: The p.Q889P variant (also known as c.2666A>C), located in coding exon 4 of the MSH6 gene, results from an A to C substitution at nucleotide position 2666. The glutamine at codon 889 is replaced by proline, an amino acid with similar properties. This amino acid position is well conserved in available vertebrate species. In addition, the in silico prediction for this alteration is deleterious. Since supporting evidence is limited at this time, the clinical significance of this alteration remains unclear.

GeneDx
Classification: Uncertain significance. Last evaluated: 2023-09-27. Review status: criteria provided, single submitter. Criteria: GeneDx Variant Classification Process June 2021. Collection method: clinical testing. Allele origin: germline. Affected: yes.
Comment: Not observed at significant frequency in large population cohorts (gnomAD); In silico analysis supports that this missense variant has a deleterious effect on protein structure/function; Has not been previously published as pathogenic or benign to our knowledge; This variant is associated with the following publications: (PMID: 23621914, 17531815, 21120944)

Color Diagnostics, LLC DBA Color Health
Classification: Uncertain significance for Hereditary cancer-predisposing syndrome. Last evaluated: 2022-05-24. Review status: criteria provided, single submitter. Criteria: ACMG Guidelines, 2015. Collection method: clinical testing. Allele origin: germline.
Comment: This missense variant replaces glutamine with proline at codon 889 of the MSH6 protein. Computational prediction suggests that this variant may have deleterious impact on protein structure and function (internally defined REVEL score threshold >= 0.7, PMID: 27666373). Splice site prediction tools suggest that this variant may not impact RNA splicing. To our knowledge, functional studies have not been reported for this variant. This variant has not been reported in individuals affected with hereditary cancer in the literature. This variant has been identified in 2/250552 chromosomes in the general population by the Genome Aggregation Database (gnomAD). The available evidence is insufficient to determine the role of this variant in disease conclusively. Therefore, this variant is classified as a Variant of Uncertain Significance.

NM_000179.3(MSH6):c.2666A>C (p.Gln889Pro)

Gene: MSH6 (mutS homolog 6; plus strand). Cytogenetic location: 2p16.3.
Variant type: single nucleotide variant.
Coding change: c.2666A>C on transcript NM_000179.3 (MANE Select); coding-DNA position 2666, A replaced by C.
Protein change: p.Gln889Pro; replaces glutamine 889 with proline.
Molecular consequence: missense variant.
Genome position (GRCh38, 1-based): chr2:47,800,649, A>C. VCF-style: chr2-47800649-A-C. GRCh37 (hg19) VCF-style: chr2-48027788-A-C.
Other names: c.2276A>C, p.Gln759Pro (NM_001281492.2); c.1760A>C, p.Gln587Pro (NM_001281493.2, NM_001281494.2); short protein forms Q889P, Q587P, Q759P.
Identifiers: ClinVar variation 455214 (VCV000455214.21), dbSNP rs377542011, ClinGen allele CA069406.
Genomic context (GRCh38, chr2:47,800,649, plus strand): 5'-GTAAAATTATAGGGATCATGGAAGAAGTTGCTGATGGTTTTAAGTCTAAAATCCTTAAGC[A>C]GGTCATCTCTCTGCAGACAAAAAATCCTGAAGGTCGTTTTCCTGATTTGACTGTAGAATT-3'
Protein context (NP_000170.1, residues 879-899): ADGFKSKILK[Gln889Pro]VISLQTKNPE